The following is an entry in ClinVar:

NM_006767.4(LZTR1):c.1603T>C (p.Tyr535His)

Gene: LZTR1 (leucine zipper like post translational regulator 1; plus strand). Cytogenetic location: 22q11.21.
Variant type: single nucleotide variant.
Coding change: c.1603T>C on transcript NM_006767.4 (MANE Select); coding-DNA position 1603, T replaced by C.
Protein change: p.Tyr535His; replaces tyrosine 535 with histidine.
Molecular consequence: missense variant.
Genome position (GRCh38, 1-based): chr22:20,994,257, T>C. VCF-style: chr22-20994257-T-C. GRCh37 (hg19) VCF-style: chr22-21348546-T-C.
Other names: short protein forms Y535H.
Identifiers: ClinVar variation 1776231 (VCV001776231.2), dbSNP rs1924726358, ClinGen allele CA410776222.

ClinVar aggregate classification (germline): Uncertain significance (1 of 4 stars; one submission).

Conditions:
Cardiovascular phenotype. Identifiers: MedGen CN230736.
Hereditary cancer-predisposing syndrome. Also called: Neoplastic Syndromes, Hereditary; Tumor predisposition; Hereditary Cancer Syndrome; Hereditary neoplastic syndrome. Identifiers: Orphanet 140162, MedGen C0027672, MeSH D009386, MONDO:0015356.

Allele frequency attached by ClinVar (database versions not stated): gnomAD exomes below 0.00001.
gnomAD v4.1: 1 of 1,598,422 alleles (0.000063%); highest among the groups gnomAD compares: Non-Finnish European, 0.000085%; no homozygotes.

Submission:

Ambry Genetics
Classification: Uncertain significance for Cardiovascular phenotype; Hereditary cancer-predisposing syndrome. Last evaluated: 2022-02-18. Review status: criteria provided, single submitter. Criteria: Ambry Variant Classification Scheme 2023. Collection method: clinical testing. Allele origin: germline.
Comment: The p.Y535H variant (also known as c.1603T>C), located in coding exon 14 of the LZTR1 gene, results from a T to C substitution at nucleotide position 1603. The tyrosine at codon 535 is replaced by histidine, an amino acid with similar properties. This amino acid position is conserved. In addition, the in silico prediction for this alteration is inconclusive. Since supporting evidence is limited at this time, the clinical significance of this alteration remains unclear.